The following is an entry in ClinVar:

NM_002582.4(PARN):c.854T>C (p.Ile285Thr)

Gene: PARN (poly(A)-specific ribonuclease; minus strand). Cytogenetic location: 16p13.12.
Variant type: single nucleotide variant.
Coding change: c.854T>C on transcript NM_002582.4 (MANE Select); coding-DNA position 854, T replaced by C.
Protein change: p.Ile285Thr; replaces isoleucine 285 with threonine.
Molecular consequence: missense variant.
Genome position (GRCh38, 1-based): chr16:14,593,365, A>G on the plus strand (T>C on the coding strand, the complement: PARN is on the minus strand). VCF-style: chr16-14593365-A-G. GRCh37 (hg19) VCF-style: chr16-14687222-A-G.
Other names: c.671T>C, p.Ile224Thr (NM_001134477.3); c.716T>C, p.Ile239Thr (NM_001242992.2); short protein forms I224T, I239T, I285T.
Identifiers: ClinVar variation 1018196 (VCV001018196.9), dbSNP rs1970312112, ClinGen allele CA394804758.

ClinVar aggregate classification (germline): Uncertain significance (1 of 4 stars; one submission).

Conditions:
Dyskeratosis congenita, autosomal recessive 6 (DKCB6). Identifiers: MedGen C4225356, MONDO:0014600, OMIM 616353.
Pulmonary fibrosis and/or bone marrow failure, Telomere-related, 4. Also called: PULMONARY FIBROSIS AND/OR BONE MARROW FAILURE SYNDROME, TELOMERE-RELATED, 4. Identifiers: Orphanet 2032, MedGen C4225347, MONDO:0014612, OMIM 616371.

Allele frequency attached by ClinVar (database versions not stated): gnomAD exomes below 0.00001.
gnomAD v4.1: 1 of 1,598,200 alleles (0.000063%); highest among the groups gnomAD compares: South Asian, 0.0011%; no homozygotes.

Submission:

Labcorp Genetics (formerly Invitae), Labcorp
Classification: Uncertain significance for Dyskeratosis congenita, autosomal recessive 6; Pulmonary fibrosis and/or bone marrow failure, Telomere-related, 4. Last evaluated: 2020-06-12. Review status: criteria provided, single submitter. Criteria: Invitae Variant Classification Sherloc (09022015). Collection method: clinical testing. Allele origin: germline.
Comment: In summary, the available evidence is currently insufficient to determine the role of this variant in disease. Therefore, it has been classified as a Variant of Uncertain Significance. Algorithms developed to predict the effect of missense changes on protein structure and function are either unavailable or do not agree on the potential impact of this missense change (SIFT: "Deleterious"; PolyPhen-2: "Possibly Damaging"; Align-GVGD: "Class C0"). This variant has not been reported in the literature in individuals with PARN-related conditions. This variant is not present in population databases (ExAC no frequency). This sequence change replaces isoleucine with threonine at codon 285 of the PARN protein (p.Ile285Thr). The isoleucine residue is weakly conserved and there is a moderate physicochemical difference between isoleucine and threonine.